The following is an entry in ClinVar:

NM_001195248.2(APTX):c.14G>A (p.Cys5Tyr)

Gene: APTX (aprataxin; minus strand). Cytogenetic location: 9p21.1.
Variant type: single nucleotide variant.
Coding change: c.14G>A on transcript NM_001195248.2 (MANE Select); coding-DNA position 14, G replaced by A.
Protein change: p.Cys5Tyr; replaces cysteine 5 with tyrosine.
Molecular consequence: missense variant. On other transcripts: 5 prime UTR variant (8), non-coding transcript variant (13).
Genome position (GRCh38, 1-based): chr9:32,989,878, C>T on the plus strand (G>A on the coding strand, the complement: APTX is on the minus strand). VCF-style: chr9-32989878-C-T. GRCh37 (hg19) VCF-style: chr9-32989876-C-T.
Other names: c.14G>A, p.Cys5Tyr (NM_001195249.2, NM_001195250.2, NM_001195251.2 and 11 more transcripts); c.-246G>A (NM_001369002.1, NM_001369003.1, NM_001369005.1 and 4 more transcripts); c.-204G>A (NM_001369004.1); short protein forms C5Y.
Identifiers: ClinVar variation 1303760 (VCV001303760.2), dbSNP rs1292407556, ClinGen allele CA373181377.

ClinVar aggregate classification (germline): Uncertain significance (1 of 4 stars; one submission).

Submission:

GeneDx
Classification: Uncertain significance. Last evaluated: 2021-03-16. Review status: criteria provided, single submitter. Criteria: GeneDx Variant Classification Process June 2021. Collection method: clinical testing. Allele origin: germline. Affected: yes.
Comment: Not observed in large population cohorts (Lek et al., 2016); In silico analysis, which includes protein predictors and evolutionary conservation, supports a deleterious effect; Has not been previously published as pathogenic or benign to our knowledge